The following is an entry in ClinVar:

NM_022167.4(XYLT2):c.1450G>A (p.Asp484Asn)

Gene: XYLT2 (xylosyltransferase 2; plus strand). Cytogenetic location: 17q21.33.
Variant type: single nucleotide variant.
Coding change: c.1450G>A on transcript NM_022167.4 (MANE Select); coding-DNA position 1450, G replaced by A.
Protein change: p.Asp484Asn; replaces aspartic acid 484 with asparagine.
Molecular consequence: missense variant.
Genome position (GRCh38, 1-based): chr17:50,356,229, G>A. VCF-style: chr17-50356229-G-A. GRCh37 (hg19) VCF-style: chr17-48433590-G-A.
Other names: short protein forms D484N.
Identifiers: ClinVar variation 1956362 (VCV001956362.6), dbSNP rs563509039, ClinGen allele CA8646442.

ClinVar aggregate classification (germline): Uncertain significance. Review status: criteria provided, multiple submitters, no conflicts (2 of 4 stars). 2 submissions from 2 submitters: Uncertain significance (2). Last evaluated 2025-04-28.

Conditions:
Inborn genetic diseases. Identifiers: MedGen C0950123, MeSH D030342.

Allele frequency attached by ClinVar (database versions not stated): gnomAD 0.00003; TOPMed 0.00003; ExAC 0.00006; 1000 Genomes Project 0.00020; 1000 Genomes Project 30x 0.00031.
gnomAD v4.1: 39 of 1,614,124 alleles (0.0024%); highest among the groups gnomAD compares: East Asian, 0.056%; no homozygotes.

Submissions (2):

Labcorp Genetics (formerly Invitae), Labcorp
Classification: Uncertain significance. Last evaluated: 2025-04-28. Review status: criteria provided, single submitter. Criteria: Invitae Variant Classification Sherloc (09022015). Collection method: clinical testing. Allele origin: germline.
Comment: This sequence change replaces aspartic acid, which is acidic and polar, with asparagine, which is neutral and polar, at codon 484 of the XYLT2 protein (p.Asp484Asn). This variant is present in population databases (rs563509039, gnomAD 0.09%). This variant has not been reported in the literature in individuals affected with XYLT2-related conditions. ClinVar contains an entry for this variant (Variation ID: 1956362). Invitae Evidence Modeling of protein sequence and biophysical properties (such as structural, functional, and spatial information, amino acid conservation, physicochemical variation, residue mobility, and thermodynamic stability) indicates that this missense variant is not expected to disrupt XYLT2 protein function with a negative predictive value of 80%. In summary, the available evidence is currently insufficient to determine the role of this variant in disease. Therefore, it has been classified as a Variant of Uncertain Significance.

Ambry Genetics
Classification: Uncertain significance for Inborn genetic diseases. Last evaluated: 2023-01-10. Review status: criteria provided, single submitter. Criteria: Ambry Variant Classification Scheme 2023. Collection method: clinical testing. Allele origin: germline.